The following is an entry in ClinVar:

NM_025099.6(CTC1):c.*1129A>G

Genes: CTC1 (CST telomere replication complex component 1; minus strand), TRI-AAT4-1 (tRNA-Ile (anticodon AAT) 4-1; minus strand). Cytogenetic location: 17p13.1.
Variant type: single nucleotide variant.
Coding change: c.*1129A>G on transcript NM_025099.6 (MANE Select); 1129 bases downstream of the stop codon, A replaced by G.
Molecular consequence: 3 prime UTR variant. On other transcripts: non-coding transcript variant (1).
Genome position (GRCh38, 1-based): chr17:8,227,051, T>C on the plus strand (A>G on the coding strand, the complement: CTC1 is on the minus strand). VCF-style: chr17-8227051-T-C. GRCh37 (hg19) VCF-style: chr17-8130369-T-C.
Identifiers: ClinVar variation 892256 (VCV000892256.4), dbSNP rs370571497, ClinGen allele CA287528247.

ClinVar aggregate classification (germline): Likely benign (1 of 4 stars; one submission).

Conditions:
Dyskeratosis congenita. Identifiers: Orphanet 1775, MedGen C0265965, MONDO:0015780.

Allele frequency attached by ClinVar (database versions not stated): TOPMed 0.00062; 1000 Genomes Project 0.00120; gnomAD exomes 0.00347.
gnomAD v4.1: 108 of 152,610 alleles (0.071%); highest among the groups gnomAD compares: South Asian, 0.22%; no homozygotes.

Submission:

Illumina Laboratory Services, Illumina
Classification: Likely benign for Dyskeratosis congenita. Last evaluated: 2018-01-13. Review status: criteria provided, single submitter. Criteria: ICSL Variant Classification Criteria 13 December 2019. Collection method: clinical testing. Allele origin: germline.
Comment: This variant was observed in the ICSL laboratory as part of a predisposition screen in an ostensibly healthy population. It had not been previously curated by ICSL or reported in the Human Gene Mutation Database (HGMD: prior to June 1st, 2018), and was therefore a candidate for classification through an automated scoring system. Utilizing variant allele frequency, disease prevalence and penetrance estimates, and inheritance mode, an automated score was calculated to assess if this variant is too frequent to cause the disease. Based on the score and internal cut-off values, a variant classified as likely benign is not then subjected to further curation. The score for this variant resulted in a classification of likely benign for this disease.